The following is an entry in ClinVar:

NM_152393.4(KLHL40):c.670G>T (p.Val224Leu)

Gene: KLHL40 (kelch like family member 40; plus strand). Cytogenetic location: 3p22.1.
Variant type: single nucleotide variant.
Coding change: c.670G>T on transcript NM_152393.4 (MANE Select); coding-DNA position 670, G replaced by T.
Protein change: p.Val224Leu; replaces valine 224 with leucine.
Molecular consequence: missense variant.
Genome position (GRCh38, 1-based): chr3:42,686,288, G>T. VCF-style: chr3-42686288-G-T. GRCh37 (hg19) VCF-style: chr3-42727780-G-T.
Other names: short protein forms V224L.
Identifiers: ClinVar variation 1430007 (VCV001430007.5), dbSNP rs757444389, ClinGen allele CA2336710.

ClinVar aggregate classification (germline): Uncertain significance (1 of 4 stars; one submission).

Conditions:
Nemaline myopathy 8 (NEM8). Also called: Nemaline myopathy 8, autosomal recessive. Identifiers: Orphanet 171430, MedGen C3809209, MONDO:0014138, OMIM 615348.

Allele frequency attached by ClinVar (database versions not stated): gnomAD exomes 0.00002 and 0.00003; TOPMed 0.00002; ExAC 0.00003; gnomAD 0.00004.
gnomAD v4.1: 45 of 1,580,488 alleles (0.0028%); highest among the groups gnomAD compares: African/African-American, 0.004%; no homozygotes.

Submission:

Labcorp Genetics (formerly Invitae), Labcorp
Classification: Uncertain significance for Nemaline myopathy 8. Last evaluated: 2021-08-27. Review status: criteria provided, single submitter. Criteria: Invitae Variant Classification Sherloc (09022015). Collection method: clinical testing. Allele origin: germline.
Comment: This sequence change replaces valine with leucine at codon 224 of the KLHL40 protein (p.Val224Leu). The valine residue is moderately conserved and there is a small physicochemical difference between valine and leucine. The frequency data for this variant in the population databases is considered unreliable, as metrics indicate poor data quality at this position in the ExAC database. This variant has not been reported in the literature in individuals affected with KLHL40-related conditions. Algorithms developed to predict the effect of missense changes on protein structure and function are either unavailable or do not agree on the potential impact of this missense change (SIFT: "Deleterious"; PolyPhen-2: "Possibly Damaging"; Align-GVGD: "Class C0"). In summary, the available evidence is currently insufficient to determine the role of this variant in disease. Therefore, it has been classified as a Variant of Uncertain Significance.